The following is an entry in ClinVar:

ClinVar aggregate classification (germline): Uncertain significance (1 of 4 stars; one submission).

Submission:

Labcorp Genetics (formerly Invitae), Labcorp
Classification: Uncertain significance. Last evaluated: 2019-11-16. Review status: criteria provided, single submitter. Criteria: Invitae Variant Classification Sherloc (09022015). Collection method: clinical testing. Allele origin: germline.
Comment: This variant has not been reported in the literature in individuals with PCARE-related conditions. In summary, the available evidence is currently insufficient to determine the role of this variant in disease. Therefore, it has been classified as a Variant of Uncertain Significance. Algorithms developed to predict the effect of missense changes on protein structure and function are either unavailable or do not agree on the potential impact of this missense change (SIFT: "Tolerated"; PolyPhen-2: "Possibly Damaging"; Align-GVGD: "Class C0"). This variant is not present in population databases (ExAC no frequency). This sequence change replaces glycine with glutamic acid at codon 234 of the PCARE protein (p.Gly234Glu). The glycine residue is highly conserved and there is a moderate physicochemical difference between glycine and glutamic acid.

NM_001029883.3(PCARE):c.701G>A (p.Gly234Glu)

Gene: PCARE (photoreceptor cilium actin regulator; minus strand). Cytogenetic location: 2p23.2.
Variant type: single nucleotide variant.
Coding change: c.701G>A on transcript NM_001029883.3 (MANE Select); coding-DNA position 701, G replaced by A.
Protein change: p.Gly234Glu; replaces glycine 234 with glutamic acid.
Molecular consequence: missense variant.
Genome position (GRCh38, 1-based): chr2:29,073,561, C>T on the plus strand (G>A on the coding strand, the complement: PCARE is on the minus strand). VCF-style: chr2-29073561-C-T. GRCh37 (hg19) VCF-style: chr2-29296427-C-T.
Other names: short protein forms G234E.
Identifiers: ClinVar variation 955390 (VCV000955390.9), dbSNP rs765939571, ClinGen allele CA44643779.